The following is an entry in ClinVar:

ClinVar aggregate classification (germline): Pathogenic (1 of 4 stars; one submission).

Conditions:
Cobalamin C disease. Also called: Cobalamin-C methylmalonic acidemia and homocystinuria; Methylmalonic acidemia and homocystinuria cblC type; Methylmalonic aciduria with homocystinuria cblC type; Methylmalonic aciduria and homocystinuria, Vitamin B12-responsive; Vitamin B12 metabolic defect with combined deficiency of methylmalonyl-CoA mutase and homocysteine:methyltetrahydrofolate methyltransferase; methylmalonic aciduria and homocystinuria type cblC. Identifiers: Orphanet 26, Orphanet 79282, MedGen C1848561, MONDO:0010184, OMIM 277400.

Allele frequency attached by ClinVar (database versions not stated): ExAC 0.00001; gnomAD 0.00001; gnomAD exomes 0.00001; TOPMed 0.00001.

Submission:

Women's Health and Genetics/Laboratory Corporation of America, LabCorp
Classification: Pathogenic for Cobalamin C disease. Last evaluated: 2023-12-14. Review status: criteria provided, single submitter. Criteria: LabCorp Variant Classification Summary - May 2015. Collection method: clinical testing. Allele origin: germline.
Comment: Variant summary: ABCD4 c.1425dupA (p.Tyr476IlefsX15) results in a premature termination codon, predicted to cause absence of the protein due to nonsense mediated decay, which is a commonly known mechanism for disease. The variant allele was found at a frequency of 4e-06 in 250638 control chromosomes (gnomAD). To our knowledge, no occurrence of c.1425dupA in individuals affected with Methylmalonic Acidemia With Homocystinuria and no experimental evidence demonstrating its impact on protein function have been reported. No submitters have cited clinical-significance assessments for this variant to ClinVar after 2014. Based on the evidence outlined above, the variant was classified as pathogenic.

NM_005050.4(ABCD4):c.1425dup (p.Tyr476fs)

Gene: ABCD4 (ATP binding cassette subfamily D member 4; minus strand). Cytogenetic location: 14q24.3.
Variant type: Duplication.
Coding change: c.1425dup on transcript NM_005050.4 (MANE Select); coding-DNA position 1425, one base duplicated (A; older notation c.1425dupA).
Protein change: p.Tyr476fs; shifts the reading frame from tyrosine 476.
Molecular consequence: frameshift variant. On other transcripts: non-coding transcript variant (10).
Genome position (GRCh38, 1-based): chr14:74,289,514, T duplicated on the plus strand (A on the coding strand, the reverse complement: ABCD4 is on the minus strand). VCF-style (leftmost placement, unchanged base first): chr14-74289513-A-AT. GRCh37 (hg19) VCF-style: chr14-74756216-A-AT.
Other names: c.1299dup, p.Tyr434fs (NM_001353591.2, NM_001353592.2); c.1164dup, p.Tyr389fs (NM_001353593.2); c.1113dup, p.Tyr372fs (NM_001353594.2); c.1011dup, p.Tyr338fs (NM_001353595.2, NM_001353596.2); c.960dup, p.Tyr321fs (NM_001353597.2); c.948dup, p.Tyr317fs (NM_001353598.2, NM_001353599.2, NM_001353600.2 and 2 more transcripts); c.636dup, p.Tyr213fs (NM_001353602.2, NM_001353603.2, NM_001353604.2 and 6 more transcripts); c.1296dup, p.Tyr433Ilefs (NM_020323.1); and 2 more; short protein forms Y213fs, Y317fs, Y321fs, Y338fs, Y372fs, Y389fs, Y434fs, Y476fs.
Identifiers: ClinVar variation 2691699 (VCV002691699.1), dbSNP rs780512428, ClinGen allele CA7266789.
Genomic context (GRCh38, chr14:74,289,513, plus strand): 5'-GAGGACATGACCTAAGGAGGACCAGCTCACCTGAGTCGGGGTAGACCTCCTTCAGGGGAT[A>AT]TATCACCTGAGAAAAGAAAAAAACCACACCAACCTAGGAGGGCGAGCAAAAGACGGAGCT-3'